The following is an entry in ClinVar:

ClinVar aggregate classification (germline): Uncertain significance (1 of 4 stars; one submission).

Allele frequency attached by ClinVar (database versions not stated): gnomAD exomes below 0.00001; TOPMed 0.00006; gnomAD 0.00013.
gnomAD v4.1: 25 of 1,482,628 alleles (0.0017%); highest among the groups gnomAD compares: Admixed American, 0.045%; no homozygotes.

Submission:

Labcorp Genetics (formerly Invitae), Labcorp
Classification: Uncertain significance. Last evaluated: 2022-05-20. Review status: criteria provided, single submitter. Criteria: Invitae Variant Classification Sherloc (09022015). Collection method: clinical testing. Allele origin: germline.
Comment: In summary, the available evidence is currently insufficient to determine the role of this variant in disease. Therefore, it has been classified as a Variant of Uncertain Significance. Algorithms developed to predict the effect of missense changes on protein structure and function are either unavailable or do not agree on the potential impact of this missense change (SIFT: "Not Available"; PolyPhen-2: "Benign"; Align-GVGD: "Not Available"). This variant has not been reported in the literature in individuals affected with GINS1-related conditions. This variant is present in population databases (no rsID available, gnomAD 0.02%). This sequence change replaces serine, which is neutral and polar, with threonine, which is neutral and polar, at codon 173 of the GINS1 protein (p.Ser173Thr).

NM_021067.5(GINS1):c.518G>C (p.Ser173Thr)

Gene: GINS1 (GINS complex subunit 1; plus strand). Cytogenetic location: 20p11.21.
Variant type: single nucleotide variant.
Coding change: c.518G>C on transcript NM_021067.5 (MANE Select); coding-DNA position 518, G replaced by C.
Protein change: p.Ser173Thr; replaces serine 173 with threonine.
Molecular consequence: missense variant. On other transcripts: non-coding transcript variant (1).
Genome position (GRCh38, 1-based): chr20:25,441,772, G>C. VCF-style: chr20-25441772-G-C. GRCh37 (hg19) VCF-style: chr20-25422408-G-C.
Other names: c.401G>C, p.Ser134Thr (NM_001410830.1); c.263G>C, p.Ser88Thr (NM_001410831.1); short protein forms S134T, S173T, S88T.
Identifiers: ClinVar variation 1934964 (VCV001934964.5), dbSNP rs1376711579, ClinGen allele CA408450878.
Genomic context (GRCh38, chr20:25,441,772, plus strand): 5'-TAAAAGACTATGGAGAATTTGAAGTTGATGATGGCACTTCAGTCCTATTAAAAAAAAATA[G>C]CCAGGTATTTCTTATCTTCAGATTCTTTACTTTAAATCTTATGAGTGTTGTATGGTGGAA-3'
Protein context (NP_066545.3, residues 163-183): DGTSVLLKKN[Ser173Thr]QHFLPRWKCE